The following is an entry in ClinVar:

NM_000548.5(TSC2):c.3979G>C (p.Asp1327His)

Gene: TSC2 (TSC complex subunit 2; plus strand). Cytogenetic location: 16p13.3.
Variant type: single nucleotide variant.
Coding change: c.3979G>C on transcript NM_000548.5 (MANE Select); coding-DNA position 3979, G replaced by C.
Protein change: p.Asp1327His; replaces aspartic acid 1327 with histidine.
Molecular consequence: missense variant.
Genome position (GRCh38, 1-based): chr16:2,083,790, G>C. VCF-style: chr16-2083790-G-C. GRCh37 (hg19) VCF-style: chr16-2133791-G-C.
Other names: c.3907G>C, p.Asp1303His (NM_001406664.1); c.3631G>C, p.Asp1211His (NM_001406679.1); c.3379G>C, p.Asp1127His (NM_001406680.1); c.3319G>C, p.Asp1107His (NM_001406681.1); c.3310G>C, p.Asp1104His (NM_001406682.1, NM_001406683.1); c.3307G>C, p.Asp1103His (NM_001406684.1); c.3181G>C, p.Asp1061His (NM_001406685.1, NM_001406686.1); c.3178G>C, p.Asp1060His (NM_001406687.1, NM_001406688.1); and 26 more; short protein forms D1103H, D1211H, D1256H, D1284H, D1290H, D1060H, D1061H, D1223H.
Identifiers: ClinVar variation 1736674 (VCV001736674.6), dbSNP rs2090430035, ClinGen allele CA394297598.

ClinVar aggregate classification (germline): Uncertain significance. Review status: criteria provided, multiple submitters, no conflicts (2 of 4 stars). 2 submissions from 2 submitters: Uncertain significance (2). Last evaluated 2025-07-16.

Conditions:
Hereditary cancer-predisposing syndrome. Also called: Neoplastic Syndromes, Hereditary; Tumor predisposition; Hereditary Cancer Syndrome; Hereditary neoplastic syndrome. Identifiers: Orphanet 140162, MedGen C0027672, MeSH D009386, MONDO:0015356.
Tuberous sclerosis 2 (TSC2). Identifiers: Orphanet 805, MedGen C1860707, MONDO:0013199, OMIM 613254.

Allele frequency attached by ClinVar (database versions not stated): gnomAD 0.00001.
gnomAD v4.1: 2 of 1,611,480 alleles (0.00012%); highest among the groups gnomAD compares: Admixed American, 0.0017%; no homozygotes.

Submissions (2):

Ambry Genetics
Classification: Uncertain significance for Hereditary cancer-predisposing syndrome. Last evaluated: 2025-07-16. Review status: criteria provided, single submitter. Criteria: Ambry Variant Classification Scheme 2023. Collection method: clinical testing. Allele origin: germline.
Comment: The p.D1327H variant (also known as c.3979G>C), located in coding exon 32 of the TSC2 gene, results from a G to C substitution at nucleotide position 3979. The aspartic acid at codon 1327 is replaced by histidine, an amino acid with similar properties. This amino acid position is conserved. In addition, the in silico prediction for this alteration is inconclusive. Based on the available evidence, the clinical significance of this variant remains unclear.

Labcorp Genetics (formerly Invitae), Labcorp
Classification: Uncertain significance for Tuberous sclerosis 2. Last evaluated: 2023-08-30. Review status: criteria provided, single submitter. Criteria: Invitae Variant Classification Sherloc (09022015). Collection method: clinical testing. Allele origin: germline.
Comment: This variant is not present in population databases (gnomAD no frequency). This variant has not been reported in the literature in individuals affected with TSC2-related conditions. ClinVar contains an entry for this variant (Variation ID: 1736674). Advanced modeling of protein sequence and biophysical properties (such as structural, functional, and spatial information, amino acid conservation, physicochemical variation, residue mobility, and thermodynamic stability) performed at Invitae indicates that this missense variant is not expected to disrupt TSC2 protein function. In summary, the available evidence is currently insufficient to determine the role of this variant in disease. Therefore, it has been classified as a Variant of Uncertain Significance. This sequence change replaces aspartic acid, which is acidic and polar, with histidine, which is basic and polar, at codon 1327 of the TSC2 protein (p.Asp1327His).